The following is an entry in ClinVar:

NM_032482.3(DOT1L):c.1074G>A (p.Lys358=)

Gene: DOT1L (DOT1 like histone lysine methyltransferase; plus strand). Cytogenetic location: 19p13.3.
Variant type: single nucleotide variant.
Coding change: c.1074G>A on transcript NM_032482.3 (MANE Select); coding-DNA position 1074, G replaced by A.
Protein change: p.Lys358=; no amino-acid change (lysine 358 retained).
Molecular consequence: synonymous variant.
Genome position (GRCh38, 1-based): chr19:2,210,468, G>A. VCF-style: chr19-2210468-G-A. GRCh37 (hg19) VCF-style: chr19-2210467-G-A.
Other names: c.1074G>A, p.Lys358= (NM_001411141.1).
Identifiers: ClinVar variation 4872125 (VCV004872125.2).

ClinVar aggregate classification (germline): Likely benign (1 of 4 stars; one submission).

gnomAD v4.1: 1,059 of 1,590,658 alleles (0.067%); highest among the groups gnomAD compares: Non-Finnish European, 0.082%; 1 homozygote.

Submission:

CeGaT Center for Human Genetics Tuebingen
Classification: Likely benign. Last evaluated: 2026-06-01. Review status: criteria provided, single submitter. Criteria: CeGaT Center For Human Genetics Tuebingen Variant Classification Criteria Version 2. Collection method: clinical testing. Allele origin: germline. Affected: yes. Observed: 2 variant alleles.
Comment: DOT1L: BP4, BP7